The following is an entry in ClinVar:

ClinVar aggregate classification (germline): Uncertain significance (1 of 4 stars; one submission).

Conditions:
Aortic aneurysm, familial thoracic 7 (AAT7). Also called: AORTIC DISSECTION, FAMILIAL, WITH OR WITHOUT AORTIC ANEURYSM. Identifiers: MedGen C3151077, MONDO:0013418, OMIM 613780.

gnomAD v4.1: 1 of 1,614,220 alleles (0.000062%); highest among the groups gnomAD compares: Non-Finnish European, 0.000085%; no homozygotes.

Submission:

Labcorp Genetics (formerly Invitae), Labcorp
Classification: Uncertain significance for Aortic aneurysm, familial thoracic 7. Last evaluated: 2022-11-04. Review status: criteria provided, single submitter. Criteria: Invitae Variant Classification Sherloc (09022015). Collection method: clinical testing. Allele origin: germline.
Comment: In summary, the available evidence is currently insufficient to determine the role of this variant in disease. Therefore, it has been classified as a Variant of Uncertain Significance. Advanced modeling of protein sequence and biophysical properties (such as structural, functional, and spatial information, amino acid conservation, physicochemical variation, residue mobility, and thermodynamic stability) has been performed at Invitae for this missense variant, however the output from this modeling did not meet the statistical confidence thresholds required to predict the impact of this variant on MYLK protein function. This sequence change replaces proline, which is neutral and non-polar, with histidine, which is basic and polar, at codon 748 of the MYLK protein (p.Pro748His). This variant is not present in population databases (gnomAD no frequency). This variant has not been reported in the literature in individuals affected with MYLK-related conditions.

NM_053025.4(MYLK):c.2243C>A (p.Pro748His)

Gene: MYLK (myosin light chain kinase; minus strand). Cytogenetic location: 3q21.1.
Variant type: single nucleotide variant.
Coding change: c.2243C>A on transcript NM_053025.4 (MANE Select); coding-DNA position 2243, C replaced by A.
Protein change: p.Pro748His; replaces proline 748 with histidine.
Molecular consequence: missense variant.
Genome position (GRCh38, 1-based): chr3:123,707,901, G>T on the plus strand (C>A on the coding strand, the complement: MYLK is on the minus strand). VCF-style: chr3-123707901-G-T. GRCh37 (hg19) VCF-style: chr3-123426748-G-T.
Other names: c.1715C>A, p.Pro572His (NM_001321309.2); c.2036C>A, p.Pro679His (NM_053026.4, NM_053028.4); c.2243C>A, p.Pro748His (NM_053027.4); short protein forms P679H, P572H, P748H.
Identifiers: ClinVar variation 2957461 (VCV002957461.3), dbSNP rs2108635709, ClinGen allele CA354233969.